The following is an entry in ClinVar:

ClinVar aggregate classification (germline): Likely benign (1 of 4 stars; one submission).

Conditions:
IL34-related disorder. Also called: IL34-related condition.

gnomAD v4.1: 2,189 of 1,592,742 alleles (0.14%); highest among the groups gnomAD compares: Non-Finnish European, 0.16%; 6 homozygotes.

Submission:

PreventionGenetics, part of Exact Sciences
Classification: Likely benign for IL34-related condition. Last evaluated: 2026-03-06. Review status: criteria provided, single submitter. Criteria: ACMG Guidelines, 2015. Collection method: clinical testing. Allele origin: germline.
Comment: This variant is classified as likely benign based on ACMG/AMP sequence variant interpretation guidelines (Richards et al. 2015 PMID: 25741868, with internal and published modifications).

NM_001393494.1(IL34):c.715G>A (p.Gly239Ser)

Gene: IL34 (interleukin 34; plus strand). Cytogenetic location: 16q22.1.
Variant type: single nucleotide variant.
Coding change: c.715G>A on transcript NM_001393494.1 (MANE Select); coding-DNA position 715, G replaced by A.
Protein change: p.Gly239Ser; replaces glycine 239 with serine.
Molecular consequence: missense variant.
Genome position (GRCh38, 1-based): chr16:70,660,173, G>A. VCF-style: chr16-70660173-G-A. GRCh37 (hg19) VCF-style: chr16-70694076-G-A.
Other names: c.712G>A, p.Gly238Ser (NM_001172771.2, NM_001393495.1, NM_001393496.1); c.715G>A, p.Gly239Ser (NM_001172772.2, NM_001393493.1, NM_152456.3); c.640G>A, p.Gly214Ser (NM_001393497.1); c.637G>A, p.Gly213Ser (NM_001393498.1); short protein forms G239S, G213S, G214S, G238S.
Identifiers: ClinVar variation 4980618 (VCV004980618.1).
Genomic context (GRCh38, chr16:70,660,173, plus strand): 5'-TCCCCCAGCTCCCCGCCTCACTCCACGGGCTCGGTGAGGCCGGTCAGGGCACAGGGCGAG[G>A]GCCTCTTGCCCTGAGCACCCTGGATGGTGACTGCGGATAGGGGCAGCCAGACCAGCTCCC-3'
Protein context (NP_001380423.1, residues 229-242): SVRPVRAQGE[Gly239Ser]LLP